The following is an entry in ClinVar:

ClinVar aggregate classification (germline): Uncertain significance (1 of 4 stars; one submission).

Conditions:
Neurofibromatosis, type 2 (SWNV). Also called: NF2-Related Schwannomatosis; BILATERAL ACOUSTIC NEUROFIBROMATOSIS; SCHWANNOMATOSIS, VESTIBULAR. Identifiers: Orphanet 637, MedGen C0027832, MONDO:0007039, OMIM 101000. Disease mechanism: loss of function.

Submission:

Labcorp Genetics (formerly Invitae), Labcorp
Classification: Uncertain significance for Neurofibromatosis, type 2. Last evaluated: 2018-01-03. Review status: criteria provided, single submitter. Criteria: Invitae Variant Classification Sherloc (09022015). Collection method: clinical testing. Allele origin: germline.
Comment: This variant is a gross duplication of the genomic region encompassing exon 1 of the NF2 gene. The 5' end of this event is unknown as it extends beyond the assayed region for this gene and therefore may encompass additional genes. The 3' boundary is likely confined to intron 1 of the NF2 gene. The exact location of this variant in the genome is unknown. Duplication of exon 1 has not been reported in the literature in individuals with NF2-related disease. Experimental studies and prediction algorithms are not available for this variant, and the functional significance of the duplicated exon is currently unknown. In summary, the available evidence is currently insufficient to determine the role of this variant in disease. Therefore, it has been classified as a Variant of Uncertain Significance.

NC_000022.10:g.(?_29999982)_(30000107_?)dup

Gene: NF2 (NF2, moesin-ezrin-radixin like (MERLIN) tumor suppressor; plus strand). Cytogenetic location: 22q12.2.
Variant type: Duplication.
Identifiers: ClinVar variation 527727 (VCV000527727.1).